The following is an entry in ClinVar:

ClinVar aggregate classification (germline): Uncertain significance (1 of 4 stars; one submission).

Conditions:
Retinal disorder. Also called: Retinopathy; Retinopathies; Retinal Diseases; Retinal disorders. Identifiers: MedGen C0035309, MONDO:0005283, HP:0000488.

Submission:

Genetics Laboratory, Great Ormond Street Hospital NHS Foundation Trust, North Thames Genomic Laboratory Hub
Classification: Uncertain significance for Retinal disorders. Last evaluated: 2026-06-05. Review status: criteria provided, single submitter. Criteria: ACGS Best Practice Guidelines for Variant Classification in Rare Disease 2024 v1.2. Collection method: clinical testing. Allele origin: germline. Affected: yes.
Comment: PM2_moderate, PP3_supporting, PP4_supporting

NM_006214.4(PHYH):c.471G>A (p.Met157Ile)

Gene: PHYH (phytanoyl-CoA 2-hydroxylase; minus strand). Cytogenetic location: 10p13.
Variant type: single nucleotide variant.
Coding change: c.471G>A on transcript NM_006214.4 (MANE Select); coding-DNA position 471, G replaced by A.
Protein change: p.Met157Ile; replaces methionine 157 with isoleucine.
Molecular consequence: missense variant. On other transcripts: intron variant (1).
Genome position (GRCh38, 1-based): chr10:13,291,856, C>T on the plus strand (G>A on the coding strand, the complement: PHYH is on the minus strand). VCF-style: chr10-13291856-C-T. GRCh37 (hg19) VCF-style: chr10-13333856-C-T.
Other names: c.171G>A, p.Met57Ile (NM_001037537.2, NM_001323080.2, NM_001323084.2); c.471G>A, p.Met157Ile (NM_001323082.2); c.414+2572G>A (NM_001323083.2); short protein forms M157I, M57I.
Identifiers: ClinVar variation 4879999 (VCV004879999.1).